The following is an entry in ClinVar:

NM_006734.4(HIVEP2):c.3762C>G (p.Ser1254Arg)

Gene: HIVEP2 (HIVEP zinc finger 2; minus strand). Cytogenetic location: 6q24.2.
Variant type: single nucleotide variant.
Coding change: c.3762C>G on transcript NM_006734.4 (MANE Select); coding-DNA position 3762, C replaced by G.
Protein change: p.Ser1254Arg; replaces serine 1254 with arginine.
Molecular consequence: missense variant.
Genome position (GRCh38, 1-based): chr6:142,770,977, G>C on the plus strand (C>G on the coding strand, the complement: HIVEP2 is on the minus strand). VCF-style: chr6-142770977-G-C. GRCh37 (hg19) VCF-style: chr6-143092114-G-C.
Other names: short protein forms S1254R.
Identifiers: ClinVar variation 1314012 (VCV001314012.2), dbSNP rs2114649613, ClinGen allele CA365902887.

ClinVar aggregate classification (germline): Uncertain significance (1 of 4 stars; one submission).

Allele frequency attached by ClinVar (database versions not stated): gnomAD exomes below 0.00001.
gnomAD v4.1: 2 of 1,614,182 alleles (0.00012%); highest among the groups gnomAD compares: Non-Finnish European, 0.00017%; no homozygotes.

Submission:

GeneDx
Classification: Uncertain significance. Last evaluated: 2021-01-13. Review status: criteria provided, single submitter. Criteria: GeneDx Variant Classification Process June 2021. Collection method: clinical testing. Allele origin: germline. Affected: yes.
Comment: Not observed in large population cohorts (Lek et al., 2016); In silico analysis supports that this missense variant does not alter protein structure/function; In silico analysis, which includes splice predictors and evolutionary conservation, suggests this variant may impact gene splicing. In the absence of RNA/functional studies, the actual effect of this sequence change is unknown.; Has not been previously published as pathogenic or benign to our knowledge